The following is an entry in ClinVar:

NM_000138.5(FBN1):c.5531C>A (p.Thr1844Lys)

Gene: FBN1 (fibrillin 1; minus strand). Cytogenetic location: 15q21.1.
Variant type: single nucleotide variant.
Coding change: c.5531C>A on transcript NM_000138.5 (MANE Select); coding-DNA position 5531, C replaced by A.
Protein change: p.Thr1844Lys; replaces threonine 1844 with lysine.
Molecular consequence: missense variant.
Genome position (GRCh38, 1-based): chr15:48,452,576, G>T on the plus strand (C>A on the coding strand, the complement: FBN1 is on the minus strand). VCF-style: chr15-48452576-G-T. GRCh37 (hg19) VCF-style: chr15-48744773-G-T.
Other names: short protein forms T1844K.
Identifiers: ClinVar variation 921405 (VCV000921405.4), dbSNP rs761886457, ClinGen allele CA392343917.
Genomic context (GRCh38, chr15:48,452,576, plus strand): 5'-GACAAACTCTTGGGTAGGCATGTCCAGCCTGTGGGGCACTACATACCATTGCACTGTCCT[G>T]TGGAGGTGAAGCGGTAGCCGGGCTTACAGTCACAGCGGTAGCTGCCTGCAGTGTTGATGC-3'
Protein context (NP_000129.3, residues 1834-1854): DCKPGYRFTS[Thr1844Lys]GQCNDRNECQ

ClinVar aggregate classification (germline): Uncertain significance (1 of 4 stars; one submission).

Conditions:
Familial thoracic aortic aneurysm and aortic dissection (TAAD). Also called: Thoracic aortic aneurysms and dissections. Identifiers: Orphanet 91387, MedGen C4707243, MONDO:0019625.

Submission:

Color Diagnostics, LLC DBA Color Health
Classification: Uncertain significance for Familial thoracic aortic aneurysm and aortic dissection. Last evaluated: 2024-03-07. Review status: criteria provided, single submitter. Criteria: ACMG Guidelines, 2015. Collection method: clinical testing. Allele origin: germline.
Comment: This missense variant replaces threonine with lysine at codon 1844 of the FBN1 protein. Computational prediction is inconclusive regarding the impact of this variant on protein structure and function (internally defined REVEL score threshold 0.5 < inconclusive < 0.7, PMID: 27666373). Splice site prediction tools suggest that this variant may not impact RNA splicing. To our knowledge, functional studies have not been performed for this variant. This variant has not been reported in individuals affected with cardiovascular disorders in the literature. This variant has not been identified in the general population by the Genome Aggregation Database (gnomAD). The available evidence is insufficient to determine the role of this variant in disease conclusively. Therefore, this variant is classified as a Variant of Uncertain Significance.